The following is an entry in ClinVar:

ClinVar aggregate classification (germline): Uncertain significance (1 of 4 stars; one submission).

Conditions:
Hereditary cancer-predisposing syndrome. Also called: Neoplastic Syndromes, Hereditary; Tumor predisposition; Hereditary Cancer Syndrome; Hereditary neoplastic syndrome. Identifiers: Orphanet 140162, MedGen C0027672, MeSH D009386, MONDO:0015356.

Submission:

Ambry Genetics
Classification: Uncertain significance for Hereditary cancer-predisposing syndrome. Last evaluated: 2025-09-02. Review status: criteria provided, single submitter. Criteria: Ambry Variant Classification Scheme 2023. Collection method: clinical testing. Allele origin: germline.
Comment: The c.5270_5277+1delACAGAAAGG variant results from a deletion of nine nucleotides between positions c.5270 and c.5277+1 and involves the canonical splice donor site after coding exon 18 of the BRCA1 gene. These nucleotide positions are well conserved in available vertebrate species. In silico splice site analysis predicts that this alteration will weaken the native splice donor site and will result in the creation or strengthening of a novel splice donor site. RNA studies have demonstrated that this alteration results in a transcript predicted to lead to a protein with an in-frame deletion of three amino acids; however, the exact functional impact of the deleted amino acids is unknown at this time (Ambry internal data). Based on the available evidence, the clinical significance of this variant remains unclear.

NM_007294.4(BRCA1):c.5270_5277+1del

Gene: BRCA1 (BRCA1 DNA repair associated; minus strand). Cytogenetic location: 17q21.31.
Variant type: Deletion.
Coding change: c.5270_5277+1del on transcript NM_007294.4 (MANE Select); coding-DNA position 5270 through the canonical splice donor site of the intron after coding-DNA position 5277, 9 bases deleted (ACAGAAAGG; older notation c.5270_5277+1delACAGAAAGG).
Molecular consequence: splice donor variant.
Genome position (GRCh38, 1-based): chr17:43,057,051-43,057,059, CCTTTCTGT deleted on the plus strand (ACAGAAAGG on the coding strand, the reverse complement: BRCA1 is on the minus strand); deleting any 9 consecutive bases within chr17:43,057,051-43,057,062 gives the same sequence; the c. name uses the placement nearest the transcript's 3' end. VCF-style (leftmost placement, unchanged base first): chr17-43057050-ACCTTTCTGT-A. GRCh37 (hg19) VCF-style: chr17-41209067-ACCTTTCTGT-A.
Other names: c.5126_5133+1del (NM_001407747.1, NM_001407745.1, NM_001407738.1 and 21 more transcripts); c.4886_4893+1del (NM_001407962.1, NM_001407960.1); c.1457_1464+1del (NM_001408512.1); c.1580_1587+1del (NM_001408510.1); c.5060_5067+1del (NM_001407885.1, NM_001407886.1, NM_001407884.1 and 5 more transcripts); c.1814_1821+1del (NM_001408470.1, NM_001408469.1, NM_001408468.1); c.5123_5130+1del (NM_001407848.1, NM_001407839.1, NM_001407850.1 and 12 more transcripts); c.5006_5013+1del (NM_001407922.1, NM_001407926.1, NM_001407924.1 and 4 more transcripts); and 72 more.
Identifiers: ClinVar variation 4215120 (VCV004215120.1).